The following is an entry in ClinVar:

NM_001376.5(DYNC1H1):c.513A>G (p.Ala171=)

Gene: DYNC1H1 (dynein cytoplasmic 1 heavy chain 1; plus strand). Cytogenetic location: 14q32.31.
Variant type: single nucleotide variant.
Coding change: c.513A>G on transcript NM_001376.5 (MANE Select); coding-DNA position 513, A replaced by G.
Protein change: p.Ala171=; no amino-acid change (alanine 171 retained).
Molecular consequence: synonymous variant.
Genome position (GRCh38, 1-based): chr14:101,979,487, A>G. VCF-style: chr14-101979487-A-G. GRCh37 (hg19) VCF-style: chr14-102445824-A-G.
Identifiers: ClinVar variation 3239573 (VCV003239573.19), dbSNP rs2047838804.

ClinVar aggregate classification (germline): Likely benign (1 of 4 stars; one submission).

Allele frequency attached by ClinVar (database versions not stated): gnomAD exomes below 0.00001.
gnomAD v4.1: 1 of 1,614,194 alleles (0.000062%); highest among the groups gnomAD compares: Non-Finnish European, 0.000085%; no homozygotes.

Submission:

CeGaT Center for Human Genetics Tuebingen
Classification: Likely benign. Last evaluated: 2024-05-01. Review status: criteria provided, single submitter. Criteria: CeGaT Center For Human Genetics Tuebingen Variant Classification Criteria Version 2. Collection method: clinical testing. Allele origin: germline. Affected: yes. Observed: 1 variant allele.
Comment: DYNC1H1: PM2:Supporting, BP4, BP7